The following is an entry in ClinVar:

NM_020832.3(ZNF687):c.1593C>A (p.Thr531=)

Gene: ZNF687 (zinc finger protein 687; plus strand). Cytogenetic location: 1q21.3.
Variant type: single nucleotide variant.
Coding change: c.1593C>A on transcript NM_020832.3 (MANE Select); coding-DNA position 1593, C replaced by A.
Protein change: p.Thr531=; no amino-acid change (threonine 531 retained).
Molecular consequence: synonymous variant.
Genome position (GRCh38, 1-based): chr1:151,287,884, C>A. VCF-style: chr1-151287884-C-A. GRCh37 (hg19) VCF-style: chr1-151260360-C-A.
Other names: c.1593C>A, p.Thr531= (NM_001304763.2, NM_001304764.2).
Identifiers: ClinVar variation 3709484 (VCV003709484.2).
Genomic context (GRCh38, chr1:151,287,884, plus strand): 5'-CCCTGCCTATAGGCCAAACCTGAGCCCACCAGCTGAGGCTGGGCTGGCCCTGCCTCCCAC[C>A]GGCTACCGCTGCCTGGAGTGTGGGGATGCCTTCTCATTGGAGAAGAGCCTGGCACGGCAC-3'
Protein context (NP_065883.1, residues 521-541): PAEAGLALPP[Thr531=]GYRCLECGDA

ClinVar aggregate classification (germline): Uncertain significance (1 of 4 stars; one submission).

gnomAD v4.1: 9 of 1,613,798 alleles (0.00056%); highest among the groups gnomAD compares: Middle Eastern, 0.033%; no homozygotes.

Submission:

Labcorp Genetics (formerly Invitae), Labcorp
Classification: Uncertain significance. Last evaluated: 2025-02-06. Review status: criteria provided, single submitter. Criteria: Invitae Variant Classification Sherloc (09022015). Collection method: clinical testing. Allele origin: germline.
Comment: This sequence change affects codon 531 of the ZNF687 mRNA. It is a 'silent' change, meaning that it does not change the encoded amino acid sequence of the ZNF687 protein. This variant is present in population databases (rs142842127, gnomAD 0.002%). This variant has not been reported in the literature in individuals affected with ZNF687-related conditions. Algorithms developed to predict the effect of sequence changes on RNA splicing suggest that this variant may create or strengthen a splice site. In summary, the available evidence is currently insufficient to determine the role of this variant in disease. Therefore, it has been classified as a Variant of Uncertain Significance.